The following is an entry in ClinVar:

NM_005862.3(STAG1):c.346G>A (p.Ala116Thr)

Gene: STAG1 (STAG1 cohesin complex component; minus strand). Cytogenetic location: 3q22.3.
Variant type: single nucleotide variant.
Coding change: c.346G>A on transcript NM_005862.3 (MANE Select); coding-DNA position 346, G replaced by A.
Protein change: p.Ala116Thr; replaces alanine 116 with threonine.
Molecular consequence: missense variant.
Genome position (GRCh38, 1-based): chr3:136,568,813, C>T on the plus strand (G>A on the coding strand, the complement: STAG1 is on the minus strand). VCF-style: chr3-136568813-C-T. GRCh37 (hg19) VCF-style: chr3-136287655-C-T.
Other names: short protein forms A116T.
Identifiers: ClinVar variation 3718403 (VCV003718403.3).
Genomic context (GRCh38, chr3:136,568,813, plus strand): 5'-AACATTCTGTACCTCGACATCCTGAACACTGGATAAAAAAGTTGATTAAATCCAGAAGTG[C>T]GATGTCCCTGTCTTGTTTATATGATTCAATCCAGTCATCCACCACGGACTGTGGAAAAAA-3'
Protein context (NP_005853.2, residues 106-126): IESYKQDRDI[Ala116Thr]LLDLINFFIQ

ClinVar aggregate classification (germline): Uncertain significance. Review status: criteria provided, multiple submitters, no conflicts (2 of 4 stars). 2 submissions from 2 submitters: Uncertain significance (2). Last evaluated 2025-09-11.

gnomAD v4.1: 6 of 1,612,324 alleles (0.00037%); highest among the groups gnomAD compares: Non-Finnish European, 0.00051%; no homozygotes.

Submissions (2):

Women's Health and Genetics/Laboratory Corporation of America, LabCorp
Classification: Uncertain significance. Last evaluated: 2025-09-11. Review status: criteria provided, single submitter. Criteria: LabCorp Variant Classification Summary - May 2015. Collection method: clinical testing. Allele origin: germline.
Comment: Variant summary: STAG1 c.346G>A (p.Ala116Thr) results in a non-conservative amino acid change in the encoded protein sequence. Algorithms developed to predict the effect of missense changes on protein structure and function are either unavailable or do not agree on the potential impact of this missense change. The variant allele was found at a frequency of 8e-06 in 251272 control chromosomes. The available data on variant occurrences in the general population are insufficient to allow any conclusion about variant significance. To our knowledge, no occurrence of c.346G>A in individuals affected with STAG1-related conditions and no experimental evidence demonstrating its impact on protein function have been reported. ClinVar contains an entry for this variant (Variation ID: 3718403). Based on the evidence outlined above, the variant was classified as uncertain significance.

Labcorp Genetics (formerly Invitae), Labcorp
Classification: Uncertain significance. Last evaluated: 2025-08-14. Review status: criteria provided, single submitter. Criteria: Invitae Variant Classification Sherloc (09022015). Collection method: clinical testing. Allele origin: germline.
Comment: This sequence change replaces alanine, which is neutral and non-polar, with threonine, which is neutral and polar, at codon 116 of the STAG1 protein (p.Ala116Thr). This variant is present in population databases (rs757393709, gnomAD 0.002%). This variant has not been reported in the literature in individuals affected with STAG1-related conditions. ClinVar contains an entry for this variant (Variation ID: 3718403). Invitae Evidence Modeling of protein sequence and biophysical properties (such as structural, functional, and spatial information, amino acid conservation, physicochemical variation, residue mobility, and thermodynamic stability) indicates that this missense variant is expected to disrupt STAG1 protein function with a positive predictive value of 80%. In summary, the available evidence is currently insufficient to determine the role of this variant in disease. Therefore, it has been classified as a Variant of Uncertain Significance.